The following is an entry in ClinVar:

NM_003000.3(SDHB):c.799A>G (p.Lys267Glu)

Gene: SDHB (succinate dehydrogenase complex iron sulfur subunit B; minus strand). Cytogenetic location: 1p36.13.
Variant type: single nucleotide variant.
Coding change: c.799A>G on transcript NM_003000.3 (MANE Select); coding-DNA position 799, A replaced by G.
Protein change: p.Lys267Glu; replaces lysine 267 with glutamic acid.
Molecular consequence: missense variant.
Genome position (GRCh38, 1-based): chr1:17,018,925, T>C on the plus strand (A>G on the coding strand, the complement: SDHB is on the minus strand). VCF-style: chr1-17018925-T-C. GRCh37 (hg19) VCF-style: chr1-17345420-T-C.
Other names: short protein forms K267E.
Identifiers: ClinVar variation 954035 (VCV000954035.7), dbSNP rs2077946088, ClinGen allele CA338268921.
Genomic context (GRCh38, chr1:17,018,925, plus strand): 5'-TTTAGCATGGAAACAGTTAAACTGAAGCTTTCTTCTCCTTATAGGTTGCCATCATTTTCT[T>C]GATCTCTGCAATAGCTTTCCCTGGATTCAGACCCTTGAAAAAAGAGAAAAGAATCAATAA-3'
Protein context (NP_002991.2, residues 257-277): LNPGKAIAEI[Lys267Glu]KMMATYKEKK

ClinVar aggregate classification (germline): Uncertain significance (1 of 4 stars; one submission).

Conditions:
Gastrointestinal stromal tumor. Also called: Gastrointestinal stromal tumor, somatic; Gastrointestinal stroma tumor. Identifiers: Orphanet 44890, MedGen C0238198, MeSH D046152, MONDO:0011719, OMIM 606764, HP:0100723.
Pheochromocytoma/paraganglioma syndrome 4. Also called: CAROTID BODY TUMORS AND MULTIPLE EXTRAADRENAL PHEOCHROMOCYTOMAS; SDHB-Related Hereditary Paraganglioma-Pheochromocytoma Syndrome; Paragangliomas 4; SDHB-Related Hereditary Paraganglioma-Pheochromocytoma Syndrome (Paragangliomas 4); PARAGANGLIOMA, FAMILIAL MALIGNANT; PARAGANGLIOMAS, HEREDITARY EXTRAADRENAL. Identifiers: Orphanet 29072, MedGen C1861848, MONDO:0007273, OMIM 115310.
Pheochromocytoma. Also called: MAX-Related Hereditary Paraganglioma-Pheochromocytoma Syndrome. Identifiers: Orphanet 29072, MedGen C0031511, MONDO:0008233, OMIM 171300, HP:0002666.

Submission:

Labcorp Genetics (formerly Invitae), Labcorp
Classification: Uncertain significance for Gastrointestinal stromal tumor; Pheochromocytoma/paraganglioma syndrome 4; Pheochromocytoma. Last evaluated: 2025-04-27. Review status: criteria provided, single submitter. Criteria: Invitae Variant Classification Sherloc (09022015). Collection method: clinical testing. Allele origin: germline.
Comment: This sequence change replaces lysine, which is basic and polar, with glutamic acid, which is acidic and polar, at codon 267 of the SDHB protein (p.Lys267Glu). This variant is not present in population databases (gnomAD no frequency). This variant has not been reported in the literature in individuals affected with SDHB-related conditions. ClinVar contains an entry for this variant (Variation ID: 954035). Invitae Evidence Modeling of protein sequence and biophysical properties (such as structural, functional, and spatial information, amino acid conservation, physicochemical variation, residue mobility, and thermodynamic stability) indicates that this missense variant is expected to disrupt SDHB protein function with a positive predictive value of 80%. In summary, the available evidence is currently insufficient to determine the role of this variant in disease. Therefore, it has been classified as a Variant of Uncertain Significance.